The following is an entry in ClinVar:

NM_138459.5(NUS1):c.51_54del (p.Leu18fs)

Gene: NUS1 (NUS1 dehydrodolichyl diphosphate synthase subunit; plus strand). Cytogenetic location: 6q22.1.
Variant type: Microsatellite.
Coding change: c.51_54del on transcript NM_138459.5 (MANE Select); coding-DNA positions 51 to 54, 4 bases deleted (TCTG; older notation c.51_54delTCTG).
Protein change: p.Leu18fs; shifts the reading frame from leucine 18.
Molecular consequence: frameshift variant.
Genome position (GRCh38, 1-based): chr6:117,675,721-117,675,724, TCTG deleted; deleting any 4 consecutive bases within chr6:117,675,717-117,675,724 gives the same sequence; the c. name uses the placement nearest the transcript's 3' end. VCF-style (leftmost placement, unchanged base first): chr6-117675716-CTCTG-C. GRCh37 (hg19) VCF-style: chr6-117996879-CTCTG-C.
Other names: short protein forms L18fs.
Identifiers: ClinVar variation 4854821 (VCV004854821.1).

ClinVar aggregate classification (germline): Pathogenic (1 of 4 stars; one submission).

Conditions:
Intellectual developmental disorder, autosomal dominant 55, with seizures. Also called: MENTAL RETARDATION, AUTOSOMAL DOMINANT 55, WITH SEIZURES; Intellectual disability, autosomal dominant 55, with seizures. Identifiers: MedGen C4693371, MONDO:0030921, OMIM 617831.

Submission:

3billion
Classification: Pathogenic for Intellectual developmental disorder, autosomal dominant 55, with seizures. Last evaluated: 2025-10-15. Review status: criteria provided, single submitter. Criteria: ACMG Guidelines, 2015. Collection method: clinical testing. Allele origin: germline. Affected: yes.
Comment: The variant is not observed in the gnomAD v4.1.0 dataset. Predicted Consequence/Location: Frameshift: predicted to result in a loss or disruption of normal protein function through nonsense-mediated decay (NMD) or protein truncation. Multiple pathogenic variants are reported downstream of the variant. The variant has been previously reported as de novo in a similarly affected individual (PMID: 34532305). The variant has been reported to be associated with NUS1-related disorder (PMID: 34532305). Therefore, this variant is classified as Pathogenic according to the recommendation of ACMG/AMP guideline.

Literature cited by the submitters: PubMed 34532305.